The following is an entry in ClinVar:

NM_001605.3(AARS1):c.904G>A (p.Ala302Thr)

Gene: AARS1 (alanyl-tRNA synthetase 1; minus strand). Cytogenetic location: 16q22.1.
Variant type: single nucleotide variant.
Coding change: c.904G>A on transcript NM_001605.3 (MANE Select); coding-DNA position 904, G replaced by A.
Protein change: p.Ala302Thr; replaces alanine 302 with threonine.
Molecular consequence: missense variant.
Genome position (GRCh38, 1-based): chr16:70,269,676, C>T on the plus strand (G>A on the coding strand, the complement: AARS1 is on the minus strand). VCF-style: chr16-70269676-C-T. GRCh37 (hg19) VCF-style: chr16-70303579-C-T.
Other names: short protein forms A302T.
Identifiers: ClinVar variation 320347 (VCV000320347.61), dbSNP rs576221121, ClinGen allele CA8141006.

ClinVar aggregate classification (germline): Conflicting classifications of pathogenicity. Review status: criteria provided, conflicting classifications (1 of 4 stars). 7 submissions from 7 submitters: Uncertain significance (1); Benign (2); Likely benign (2). 2 of the submissions do not count toward it. Last evaluated 2026-07-01.

Conditions:
Inborn genetic diseases. Identifiers: MedGen C0950123, MeSH D030342.
Charcot-Marie-Tooth disease type 2. Also called: Charcot-Marie-Tooth type 2. Identifiers: Orphanet 64746, MedGen C0270914, MONDO:0018993.
Charcot-Marie-Tooth disease axonal type 2N (CMT2N). Also called: CHARCOT-MARIE-TOOTH DISEASE, AXONAL, AUTOSOMAL DOMINANT, TYPE 2N; CHARCOT-MARIE-TOOTH NEUROPATHY, AXONAL, TYPE 2N; Charcot-Marie-Tooth Neuropathy Type 2N. Identifiers: Orphanet 228174, MedGen C2750090, MONDO:0013212, OMIM 613287.

Allele frequency attached by ClinVar (database versions not stated): gnomAD 0.00001 and 0.00013; TOPMed 0.00004; gnomAD exomes 0.00067; ExAC 0.00069; 1000 Genomes Project 0.00100; 1000 Genomes Project 30x 0.00125.
gnomAD v4.1: 527 of 1,614,148 alleles (0.033%); highest among the groups gnomAD compares: South Asian, 0.47%; 12 homozygotes.

Submissions (7):

CeGaT Center for Human Genetics Tuebingen
Classification: Likely benign. Last evaluated: 2026-07-01. Review status: criteria provided, single submitter. Criteria: CeGaT Center For Human Genetics Tuebingen Variant Classification Criteria Version 2. Collection method: clinical testing. Allele origin: germline. Affected: yes. Observed: 9 variant alleles.
Comment: AARS1: BS2

Labcorp Genetics (formerly Invitae), Labcorp
Classification: Benign for Charcot-Marie-Tooth disease type 2. Last evaluated: 2025-10-26. Review status: criteria provided, single submitter. Criteria: Invitae Variant Classification Sherloc (09022015). Collection method: clinical testing. Allele origin: germline.

Ambry Genetics
Classification: Likely benign for Inborn genetic diseases. Last evaluated: 2021-08-11. Review status: criteria provided, single submitter. Criteria: Ambry Variant Classification Scheme 2023. Collection method: clinical testing. Allele origin: germline.

Illumina Laboratory Services, Illumina
Classification: Benign for Charcot-Marie-Tooth disease axonal type 2N. Last evaluated: 2018-01-12. Review status: criteria provided, single submitter. Criteria: ICSL Variant Classification Criteria 13 December 2019. Collection method: clinical testing. Allele origin: germline.
Comment: This variant was observed in the ICSL laboratory as part of a predisposition screen in an ostensibly healthy population. It had not been previously curated by ICSL or reported in the Human Gene Mutation Database (HGMD: prior to June 1st, 2018), and was therefore a candidate for classification through an automated scoring system. Utilizing variant allele frequency, disease prevalence and penetrance estimates, and inheritance mode, an automated score was calculated to assess if this variant is too frequent to cause the disease. Based on the score and internal cut-off values, a variant classified as benign is not then subjected to further curation. The score for this variant resulted in a classification of benign for this disease.

GeneDx
Classification: Uncertain significance. Last evaluated: 2016-08-18. Review status: criteria provided, single submitter. Criteria: GeneDx Variant Classification (06012015). Collection method: clinical testing. Allele origin: germline. Affected: yes.
Comment: A variant of uncertain significance has been identified in the AARS gene. The A302T variant has been reportedpreviously as a variant of uncertain significance in an individual with CMT1; however, further clinical informationwas not provided, and parental testing was not performed (Antoniadi et al., 2015). The A302T variant was notobserved in approximately 6,500 individuals of European and African American ancestry in the NHLBI ExomeSequencing Project, but the 1000 Genomes Project reports it was observed in 5/978 (0.5%) alleles from individuals ofSouth Asian background, indicating it may be a rare (benign) variant in this population. The A302T variant is anon-conservative amino acid substitution, which is likely to impact secondary protein structure as these residues differin polarity, charge, size and/or other properties. This substitution occurs at a position that is conserved acrossspecies. In silico analysis is inconsistent in its predictions as to whether or not the variant is damaging to the proteinstructure/function. Therefore, based on the currently available information, it is unclear whether this variant is apathogenic variant or a rare benign variant.

Clinical Genetics DNA and cytogenetics Diagnostics Lab, Erasmus MC, Erasmus Medical Center
Classification: Likely benign. Review status: no assertion criteria provided. Collection method: clinical testing. Allele origin: germline. Affected: yes. Study: VKGL Data-share Consensus. Not counted in ClinVar's aggregate classification.

Laboratory of Diagnostic Genome Analysis, Leiden University Medical Center (LUMC)
Classification: Likely benign. Review status: no assertion criteria provided. Collection method: clinical testing. Allele origin: germline. Affected: yes. Study: VKGL Data-share Consensus. Not counted in ClinVar's aggregate classification.